The following is an entry in ClinVar:

ClinVar aggregate classification (germline): Uncertain significance (1 of 4 stars; one submission).

gnomAD v4.1: 1 of 1,613,370 alleles (0.000062%); no homozygotes.

Submission:

Ambry Genetics
Classification: Uncertain significance. Last evaluated: 2025-04-07. Review status: criteria provided, single submitter. Criteria: Ambry Variant Classification Scheme 2023. Collection method: clinical testing. Allele origin: germline.
Comment: The p.H1026P variant (also known as c.3077A>C), located in coding exon 18 of the PKP4 gene, results from an A to C substitution at nucleotide position 3077. The histidine at codon 1026 is replaced by proline, an amino acid with similar properties. This amino acid position is conserved. In addition, the in silico prediction for this alteration is inconclusive. Based on the available evidence, the clinical significance of this variant remains unclear.

NM_003628.6(PKP4):c.3077A>C (p.His1026Pro)

Genes: PKP4 (plakophilin 4; plus strand), PKP4-AS1 (PKP4 antisense RNA 1; minus strand). Cytogenetic location: 2q24.1.
Variant type: single nucleotide variant.
Coding change: c.3077A>C on transcript NM_003628.6 (MANE Select); coding-DNA position 3077, A replaced by C.
Protein change: p.His1026Pro; replaces histidine 1026 with proline.
Molecular consequence: missense variant.
Genome position (GRCh38, 1-based): chr2:158,673,950, A>C. VCF-style: chr2-158673950-A-C. GRCh37 (hg19) VCF-style: chr2-159530462-A-C.
Other names: c.3077A>C, p.His1026Pro (NM_001005476.4, NM_001377218.1, NM_001377225.1); c.3074A>C, p.His1025Pro (NM_001304969.3, NM_001377219.1, NM_001377220.1 and 2 more transcripts); c.2048A>C, p.His683Pro (NM_001304970.3); c.3071A>C, p.His1024Pro (NM_001377222.1, NM_001377223.1); c.3068A>C, p.His1023Pro (NM_001377224.1); short protein forms H1023P, H1025P, H683P, H1024P, H1026P.
Identifiers: ClinVar variation 3933360 (VCV003933360.1).
Genomic context (GRCh38, chr2:158,673,950, plus strand): 5'-GGAATCAGAACCATTTTATTACACCTGTGTCGACATTGGAGCGAGACCGATTCAAATCAC[A>C]TCCTTCCTTGTCTACCACCAACCAACAGATGTCACCCATCATTCAGTCAGGTCAGTGGGA-3'
Protein context (NP_003619.2, residues 1016-1036): STLERDRFKS[His1026Pro]PSLSTTNQQM